The following is an entry in ClinVar:

ClinVar aggregate classification (germline): Conflicting classifications of pathogenicity. Review status: criteria provided, conflicting classifications (1 of 4 stars). 2 submissions from 2 submitters: Uncertain significance (1); Likely benign (1). Last evaluated 2025-02-10.

Conditions:
Frasier syndrome. Identifiers: Orphanet 347, MedGen C0950122, MeSH D052159, MONDO:0007635, OMIM 136680.
Wilms tumor 1 (WT1). Also called: Wilms tumor, somatic. Identifiers: Orphanet 654, MedGen CN033288, MONDO:0008679, OMIM 194070.
11p partial monosomy syndrome (WAGR). Also called: WAGR Complex; WAGR Spectrum Disorder; CHROMOSOME 11p13 DELETION SYNDROME; WAGR syndrome. Identifiers: Orphanet 893, MedGen C0206115, MONDO:0008681, OMIM 194072.
Drash syndrome (DDS). Also called: WILMS TUMOR AND PSEUDO- OR TRUE HERMAPHRODITISM; NEPHROPATHY, WILMS TUMOR, AND GENITAL ANOMALIES. Identifiers: Orphanet 220, MedGen C0950121, MONDO:0008682, OMIM 194080.
Inborn genetic diseases. Identifiers: MedGen C0950123, MeSH D030342.

Allele frequency attached by ClinVar (database versions not stated): gnomAD exomes below 0.00001; ExAC 0.00002; ESP Exome Variant Server 0.00008.

Submissions (2):

Labcorp Genetics (formerly Invitae), Labcorp
Classification: Uncertain significance for Wilms tumor 1; Drash syndrome; 11p partial monosomy syndrome; Frasier syndrome. Last evaluated: 2025-02-10. Review status: criteria provided, single submitter. Criteria: Invitae Variant Classification Sherloc (09022015). Collection method: clinical testing. Allele origin: germline.
Comment: This sequence change replaces serine, which is neutral and polar, with asparagine, which is neutral and polar, at codon 336 of the WT1 protein (p.Ser336Asn). This variant is present in population databases (rs371021920, gnomAD 0.0009%). This variant has not been reported in the literature in individuals affected with WT1-related conditions. ClinVar contains an entry for this variant (Variation ID: 850526). Invitae Evidence Modeling of protein sequence and biophysical properties (such as structural, functional, and spatial information, amino acid conservation, physicochemical variation, residue mobility, and thermodynamic stability) indicates that this missense variant is not expected to disrupt WT1 protein function with a negative predictive value of 95%. In summary, the available evidence is currently insufficient to determine the role of this variant in disease. Therefore, it has been classified as a Variant of Uncertain Significance.

Ambry Genetics
Classification: Likely benign for Inborn genetic diseases. Last evaluated: 2024-12-13. Review status: criteria provided, single submitter. Criteria: Ambry Variant Classification Scheme 2023. Collection method: clinical testing. Allele origin: germline.

NM_024426.6(WT1):c.1022G>A (p.Ser341Asn)

Gene: WT1 (WT1 transcription factor; minus strand). Cytogenetic location: 11p13.
Variant type: single nucleotide variant.
Coding change: c.1022G>A on transcript NM_024426.6 (MANE Select); coding-DNA position 1022, G replaced by A.
Protein change: p.Ser341Asn; replaces serine 341 with asparagine.
Molecular consequence: missense variant. On other transcripts: 5 prime UTR variant (1), non-coding transcript variant (1).
Genome position (GRCh38, 1-based): chr11:32,400,039, C>T on the plus strand (G>A on the coding strand, the complement: WT1 is on the minus strand). VCF-style: chr11-32400039-C-T. GRCh37 (hg19) VCF-style: chr11-32421585-C-T.
Other names: c.971G>A, p.Ser324Asn (NM_000378.6, NM_001407045.1, NM_001407048.1 and 1 more transcripts); c.371G>A, p.Ser124Asn (NM_001198551.2); c.320G>A, p.Ser107Asn (NM_001198552.2); c.-167G>A (NM_001367854.1); c.1022G>A, p.Ser341Asn (NM_001407046.1, NM_024424.5); c.899G>A, p.Ser300Asn (NM_001407047.1); c.848G>A, p.Ser283Asn (NM_001407050.1); c.260G>A, p.Ser87Asn (NM_001407051.1); and 1 more; short protein forms S107N, S324N, S341N, S124N, S319N, S336N, S300N, S87N.
Identifiers: ClinVar variation 850526 (VCV000850526.12), dbSNP rs371021920, ClinGen allele CA064041.